The following is an entry in ClinVar:

ClinVar aggregate classification (germline): Uncertain significance (1 of 4 stars; one submission).

Conditions:
Congenital muscular dystrophy due to integrin alpha-7 deficiency. Also called: Congenital muscular dystrophy with integrin alpha-7 deficiency; Muscular dystrophy, congenital, due to ITGA7 deficiency; MYOPATHY, CONGENITAL, DUE TO INTEGRIN ALPHA-7 DEFICIENCY. Identifiers: Orphanet 34520, MedGen C2750786, MONDO:0013177, OMIM 613204.

Allele frequency attached by ClinVar (database versions not stated): gnomAD exomes 0.00001; gnomAD 0.00002; TOPMed 0.00002; ESP Exome Variant Server 0.00008.
gnomAD v4.1: 23 of 1,610,812 alleles (0.0014%); highest among the groups gnomAD compares: Non-Finnish European, 0.002%; no homozygotes.

Submission:

Labcorp Genetics (formerly Invitae), Labcorp
Classification: Uncertain significance for Congenital muscular dystrophy due to integrin alpha-7 deficiency. Last evaluated: 2022-07-06. Review status: criteria provided, single submitter. Criteria: Invitae Variant Classification Sherloc (09022015). Collection method: clinical testing. Allele origin: germline.
Comment: In summary, the available evidence is currently insufficient to determine the role of this variant in disease. Therefore, it has been classified as a Variant of Uncertain Significance. Algorithms developed to predict the effect of sequence changes on RNA splicing suggest that this variant may disrupt the consensus splice site. This sequence change affects codon 397 of the ITGA7 mRNA. It is a 'silent' change, meaning that it does not change the encoded amino acid sequence of the ITGA7 protein. It affects a nucleotide within the consensus splice site. This variant is not present in population databases (gnomAD no frequency). This variant has not been reported in the literature in individuals affected with ITGA7-related conditions. ClinVar contains an entry for this variant (Variation ID: 574562).

NM_002206.3(ITGA7):c.1191A>T (p.Pro397=)

Gene: ITGA7 (integrin subunit alpha 7; minus strand). Cytogenetic location: 12q13.2.
Variant type: single nucleotide variant.
Coding change: c.1191A>T on transcript NM_002206.3 (MANE Select); coding-DNA position 1191, A replaced by T.
Protein change: p.Pro397=; no amino-acid change (proline 397 retained).
Molecular consequence: synonymous variant. On other transcripts: 5 prime UTR variant (1).
Genome position (GRCh38, 1-based): chr12:55,698,384, T>A on the plus strand (A>T on the coding strand, the complement: ITGA7 is on the minus strand). VCF-style: chr12-55698384-T-A. GRCh37 (hg19) VCF-style: chr12-56092168-T-A.
Other names: c.1203A>T, p.Pro401= (NM_001144996.2, NM_001414029.1); c.912A>T, p.Pro304= (NM_001144997.2); c.864A>T, p.Pro288= (NM_001367993.1); c.-102A>T (NM_001367994.1); c.1191A>T, p.Pro397= (NM_001374465.1, NM_001414034.1); c.1323A>T, p.Pro441= (NM_001410977.1); c.1116A>T, p.Pro372= (NM_001414030.1); c.1104A>T, p.Pro368= (NM_001414031.1); and 3 more.
Identifiers: ClinVar variation 574562 (VCV000574562.9), dbSNP rs374034223, ClinGen allele CA237574726.